The following is an entry in ClinVar:

NM_000204.5(CFI):c.278G>A (p.Cys93Tyr)

Gene: CFI (complement factor I; minus strand). Cytogenetic location: 4q25.
Variant type: single nucleotide variant.
Coding change: c.278G>A on transcript NM_000204.5 (MANE Select); coding-DNA position 278, G replaced by A.
Protein change: p.Cys93Tyr; replaces cysteine 93 with tyrosine.
Molecular consequence: missense variant. On other transcripts: non-coding transcript variant (3), intron variant (1).
Genome position (GRCh38, 1-based): chr4:109,766,604, C>T on the plus strand (G>A on the coding strand, the complement: CFI is on the minus strand). VCF-style: chr4-109766604-C-T. GRCh37 (hg19) VCF-style: chr4-110687760-C-T.
Other names: c.278G>A, p.Cys93Tyr (NM_001318057.2, NM_001331035.2, NM_001375278.1 and 5 more transcripts); c.-127-4912G>A (NM_001375284.1); short protein forms C93Y.
Identifiers: ClinVar variation 1162969 (VCV001162969.12), dbSNP rs2126224351, ClinGen allele CA357865112.

ClinVar aggregate classification (germline): Uncertain significance. Review status: criteria provided, multiple submitters, no conflicts (2 of 4 stars). 2 submissions from 2 submitters: Uncertain significance (2). Last evaluated 2025-08-11.

Allele frequency attached by ClinVar (database versions not stated): gnomAD exomes below 0.00001.
gnomAD v4.1: 2 of 1,614,192 alleles (0.00012%); highest among the groups gnomAD compares: Non-Finnish European, 0.00017%; no homozygotes.

Submissions (2):

Labcorp Genetics (formerly Invitae), Labcorp
Classification: Uncertain significance. Last evaluated: 2025-08-11. Review status: criteria provided, single submitter. Criteria: Invitae Variant Classification Sherloc (09022015). Collection method: clinical testing. Allele origin: germline.
Comment: This sequence change replaces cysteine, which is neutral and slightly polar, with tyrosine, which is neutral and polar, at codon 93 of the CFI protein (p.Cys93Tyr). This variant is not present in population databases (gnomAD no frequency). This variant has not been reported in the literature in individuals affected with CFI-related conditions. ClinVar contains an entry for this variant (Variation ID: 1162969). Invitae Evidence Modeling of protein sequence and biophysical properties (such as structural, functional, and spatial information, amino acid conservation, physicochemical variation, residue mobility, and thermodynamic stability) indicates that this missense variant is expected to disrupt CFI protein function with a positive predictive value of 80%. In summary, the available evidence is currently insufficient to determine the role of this variant in disease. Therefore, it has been classified as a Variant of Uncertain Significance.

Mayo Clinic Laboratories, Mayo Clinic
Classification: Uncertain significance. Last evaluated: 2020-03-20. Review status: criteria provided, single submitter. Criteria: ACMG Guidelines, 2015. Collection method: clinical testing. Allele origin: germline. Observed: 1 variant allele.